The following is an entry in ClinVar:

ClinVar aggregate classification (germline): Uncertain significance (1 of 4 stars; one submission).

Submission:

GeneDx
Classification: Uncertain significance. Last evaluated: 2025-04-21. Review status: criteria provided, single submitter. Criteria: GeneDx Variant Classification Process June 2021. Collection method: clinical testing. Allele origin: germline. Affected: yes.
Comment: Not observed at significant frequency in large population cohorts (gnomAD); In silico analysis supports that this missense variant has a deleterious effect on protein structure/function; Has not been previously published as pathogenic or benign to our knowledge

NM_006421.5(ARFGEF1):c.3862G>T (p.Asp1288Tyr)

Gene: ARFGEF1 (ARF guanine nucleotide exchange factor 1; minus strand). Cytogenetic location: 8q13.2.
Variant type: single nucleotide variant.
Coding change: c.3862G>T on transcript NM_006421.5 (MANE Select); coding-DNA position 3862, G replaced by T.
Protein change: p.Asp1288Tyr; replaces aspartic acid 1288 with tyrosine.
Molecular consequence: missense variant. On other transcripts: non-coding transcript variant (1).
Genome position (GRCh38, 1-based): chr8:67,227,191, C>A on the plus strand (G>T on the coding strand, the complement: ARFGEF1 is on the minus strand). VCF-style: chr8-67227191-C-A. GRCh37 (hg19) VCF-style: chr8-68139426-C-A.
Other names: c.3862G>T, p.Asp1288Tyr (NM_001413184.1, NM_001413185.1, NM_001413186.1 and 6 more transcripts); c.3262G>T, p.Asp1088Tyr (NM_001413188.1, NM_001413193.1, NM_001413197.1); c.3856G>T, p.Asp1286Tyr (NM_001413190.1); c.2437G>T, p.Asp813Tyr (NM_001413196.1); short protein forms D1088Y, D1286Y, D1288Y, D813Y.
Identifiers: ClinVar variation 4527380 (VCV004527380.1).